The following is an entry in ClinVar:

NM_006302.3(MOGS):c.1466T>C (p.Ile489Thr)

Gene: MOGS (mannosyl-oligosaccharide glucosidase; minus strand). Cytogenetic location: 2p13.1.
Variant type: single nucleotide variant.
Coding change: c.1466T>C on transcript NM_006302.3 (MANE Select); coding-DNA position 1466, T replaced by C.
Protein change: p.Ile489Thr; replaces isoleucine 489 with threonine.
Molecular consequence: missense variant.
Genome position (GRCh38, 1-based): chr2:74,462,323, A>G on the plus strand (T>C on the coding strand, the complement: MOGS is on the minus strand). VCF-style: chr2-74462323-A-G. GRCh37 (hg19) VCF-style: chr2-74689450-A-G.
Other names: c.1148T>C, p.Ile383Thr (NM_001146158.2); c.1466T>C (NM_006302.2); short protein forms I489T, I383T.
Identifiers: ClinVar variation 1494312 (VCV001494312.5), dbSNP rs760160297, ClinGen allele CA1724784.

ClinVar aggregate classification (germline): Uncertain significance. Review status: criteria provided, multiple submitters, no conflicts (2 of 4 stars). 2 submissions from 2 submitters: Uncertain significance (2). Last evaluated 2023-12-20.

Conditions:
Inborn genetic diseases. Identifiers: MedGen C0950123, MeSH D030342.
MOGS-congenital disorder of glycosylation. Also called: CDG IIb; MOGS-CDG; GLUCOSIDASE I DEFICIENCY; CDG 2B. Identifiers: Orphanet 79330, MedGen C1853736, MONDO:0011629, OMIM 606056.

Allele frequency attached by ClinVar (database versions not stated): gnomAD exomes below 0.00001 and 0.00001; ExAC 0.00001; gnomAD 0.00002; TOPMed 0.00004.
gnomAD v4.1: 7 of 1,613,838 alleles (0.00043%); highest among the groups gnomAD compares: African/African-American, 0.0093%; no homozygotes.

Submissions (2):

Ambry Genetics
Classification: Uncertain significance for Inborn genetic diseases. Last evaluated: 2023-12-20. Review status: criteria provided, single submitter. Criteria: Ambry Variant Classification Scheme 2023. Collection method: clinical testing. Allele origin: germline.

Labcorp Genetics (formerly Invitae), Labcorp
Classification: Uncertain significance for MOGS-congenital disorder of glycosylation. Last evaluated: 2022-07-25. Review status: criteria provided, single submitter. Criteria: Invitae Variant Classification Sherloc (09022015). Collection method: clinical testing. Allele origin: germline.
Comment: In summary, the available evidence is currently insufficient to determine the role of this variant in disease. Therefore, it has been classified as a Variant of Uncertain Significance. Algorithms developed to predict the effect of missense changes on protein structure and function (SIFT, PolyPhen-2, Align-GVGD) all suggest that this variant is likely to be disruptive. ClinVar contains an entry for this variant (Variation ID: 1494312). This variant has not been reported in the literature in individuals affected with MOGS-related conditions. This variant is present in population databases (rs760160297, gnomAD 0.01%). This sequence change replaces isoleucine, which is neutral and non-polar, with threonine, which is neutral and polar, at codon 489 of the MOGS protein (p.Ile489Thr).